The following is an entry in ClinVar:

ClinVar aggregate classification (germline): Uncertain significance. Review status: criteria provided, multiple submitters, no conflicts (2 of 4 stars). 2 submissions from 2 submitters: Uncertain significance (2). Last evaluated 2026-07-02.

Conditions:
Hereditary cancer-predisposing syndrome. Also called: Tumor predisposition; Hereditary neoplastic syndrome; Neoplastic Syndromes, Hereditary; Hereditary Cancer Syndrome. Identifiers: Orphanet 140162, MedGen C0027672, MeSH D009386, MONDO:0015356.
Neurofibromatosis, type 2 (SWNV). Also called: SCHWANNOMATOSIS, VESTIBULAR; NF2-Related Schwannomatosis; BILATERAL ACOUSTIC NEUROFIBROMATOSIS. Identifiers: Orphanet 637, MedGen C0027832, MONDO:0007039, OMIM 101000. Disease mechanism: loss of function.

Submissions (2):

Ambry Genetics
Classification: Uncertain significance for Hereditary cancer-predisposing syndrome. Last evaluated: 2026-07-02. Review status: criteria provided, single submitter. Criteria: Ambry Variant Classification Scheme 2023. Collection method: clinical testing. Allele origin: germline.
Comment: The p.K20Q variant (also known as c.58A>C), located in coding exon 1 of the NF2 gene, results from an A to C substitution at nucleotide position 58. The lysine at codon 20 is replaced by glutamine, an amino acid with similar properties. This amino acid position is conserved. In addition, the in silico prediction for this alteration is inconclusive. Based on the available evidence, the clinical significance of this variant remains unclear.

Labcorp Genetics (formerly Invitae), Labcorp
Classification: Uncertain significance for Neurofibromatosis, type 2. Last evaluated: 2024-09-25. Review status: criteria provided, single submitter. Criteria: Invitae Variant Classification Sherloc (09022015). Collection method: clinical testing. Allele origin: germline.
Comment: This sequence change replaces lysine, which is basic and polar, with glutamine, which is neutral and polar, at codon 20 of the NF2 protein (p.Lys20Gln). This variant is not present in population databases (gnomAD no frequency). This variant has not been reported in the literature in individuals affected with NF2-related conditions. ClinVar contains an entry for this variant (Variation ID: 838853). An algorithm developed to predict the effect of missense changes on protein structure and function (PolyPhen-2) suggests that this variant is likely to be tolerated. In summary, the available evidence is currently insufficient to determine the role of this variant in disease. Therefore, it has been classified as a Variant of Uncertain Significance.

NM_000268.4(NF2):c.58A>C (p.Lys20Gln)

Gene: NF2 (NF2, moesin-ezrin-radixin like (MERLIN) tumor suppressor; plus strand). Cytogenetic location: 22q12.2.
Variant type: single nucleotide variant.
Coding change: c.58A>C on transcript NM_000268.4 (MANE Select); coding-DNA position 58, A replaced by C.
Protein change: p.Lys20Gln; replaces lysine 20 with glutamine.
Molecular consequence: missense variant. On other transcripts: non-coding transcript variant (1).
Genome position (GRCh38, 1-based): chr22:29,604,056, A>C. VCF-style: chr22-29604056-A-C. GRCh37 (hg19) VCF-style: chr22-30000045-A-C.
Other names: c.58A>C, p.Lys20Gln (NM_016418.5, NM_181825.3, NM_181828.3 and 5 more transcripts); short protein forms K20Q.
Identifiers: ClinVar variation 838853 (VCV000838853.15), dbSNP rs2064715459, ClinGen allele CA411145993.